The following is an entry in ClinVar:

NM_000548.5(TSC2):c.336+1G>C

Gene: TSC2 (TSC complex subunit 2; plus strand). Cytogenetic location: 16p13.3.
Variant type: single nucleotide variant.
Coding change: c.336+1G>C on transcript NM_000548.5 (MANE Select); the canonical splice donor site of the intron after coding-DNA position 336, G replaced by C.
Molecular consequence: splice donor variant. On other transcripts: missense variant (3), 5 prime UTR variant (1), intron variant (9).
Genome position (GRCh38, 1-based): chr16:2,053,453, G>C. VCF-style: chr16-2053453-G-C. GRCh37 (hg19) VCF-style: chr16-2103454-G-C.
Other names: c.337G>C, p.Val113Leu (NM_001406667.1, NM_001406668.1); c.190G>C, p.Val64Leu (NM_001406677.1); c.-1401G>C (NM_001406693.1); c.-481+1G>C (NM_001406680.1, NM_001406683.1, NM_001406687.1); c.-1096+1G>C (NM_001406689.1, NM_001406690.1, NM_001406692.1 and 2 more transcripts); c.-1272+1G>C (NM_001406698.1); c.336+1G>C (NM_001114382.3, NM_001406663.1, NM_001406664.1 and 8 more transcripts); c.-977+1G>C (NM_001406694.1, NM_001406695.1); and 6 more; short protein forms V113L, V64L.
Identifiers: ClinVar variation 535935 (VCV000535935.11), dbSNP rs45517102, ClinGen allele CA394306095.
Genomic context (GRCh38, chr16:2,053,453, plus strand): 5'-CGGCCGCTGGAGGCCCGGCACGCGGTGCTGGCTCTGCTGAAGGCCATCGTGCAGGGGCAG[G>C]TAAGGCCCAGGGCGACGCTGGGATGGGTGACGTCAGGCTGCCCACTGACTGTCCTGTCCC-3'

ClinVar aggregate classification (germline): Pathogenic (1 of 4 stars; one submission).

Conditions:
Tuberous sclerosis 2 (TSC2). Identifiers: Orphanet 805, MedGen C1860707, MONDO:0013199, OMIM 613254.

Submission:

Labcorp Genetics (formerly Invitae), Labcorp
Classification: Pathogenic for Tuberous sclerosis 2. Last evaluated: 2019-09-09. Review status: criteria provided, single submitter. Criteria: Invitae Variant Classification Sherloc (09022015). Collection method: clinical testing. Allele origin: germline.
Comment: For these reasons, this variant has been classified as Pathogenic. Donor and acceptor splice site variants typically lead to a loss of protein function (PMID: 16199547), and loss-of-function variants in TSC2 are known to be pathogenic (PMID: 10205261, 17304050). Algorithms developed to predict the effect of sequence changes on RNA splicing suggest that this variant may disrupt the consensus splice site, but this prediction has not been confirmed by published transcriptional studies. Disruption of this splice site has been observed in individuals affected with tuberous sclerosis complex (PMID: 12015165, Invitae). This variant is not present in population databases (ExAC no frequency). This sequence change affects a donor splice site in intron 4 of the TSC2 gene. It is expected to disrupt RNA splicing and likely results in an absent or disrupted protein product.

Literature cited by the submitters: PubMed 16199547; PubMed 10205261; PubMed 17304050; PubMed 12015165.